The following is an entry in ClinVar:

NM_001161352.2(KCNMA1):c.2015+37C>T

Gene: KCNMA1 (potassium calcium-activated channel subfamily M alpha 1; minus strand). Cytogenetic location: 10q22.3.
Variant type: single nucleotide variant.
Coding change: c.2015+37C>T on transcript NM_001161352.2 (MANE Select); 37 bases into the intron after coding-DNA position 2015, C replaced by T.
Molecular consequence: intron variant.
Genome position (GRCh38, 1-based): chr10:77,018,976, G>A on the plus strand (C>T on the coding strand, the complement: KCNMA1 is on the minus strand). VCF-style: chr10-77018976-G-A. GRCh37 (hg19) VCF-style: chr10-78778734-G-A.
Other names: c.1865+37C>T (NM_001271518.2); c.2015+37C>T (NM_001322832.2, NM_001322829.2, NM_002247.4 and 3 more transcripts); c.2027+37C>T (NM_001014797.3, NM_001322835.2, NM_001322830.2 and 1 more transcripts); c.1475+37C>T (NM_001322838.2).
Identifiers: ClinVar variation 1169951 (VCV001169951.10), dbSNP rs16934182, ClinGen allele CA5568258.

ClinVar aggregate classification (germline): Benign. Review status: criteria provided, multiple submitters, no conflicts (2 of 4 stars). 3 submissions from 3 submitters: Benign (3). Last evaluated 2026-01-26.

Conditions:
Generalized epilepsy-paroxysmal dyskinesia syndrome (PNKD3). Also called: Generalized epilepsy and paroxysmal dyskinesia; Paroxysmal nonkinesigenic dyskinesia, 3, with or without generalized epilepsy. Identifiers: Orphanet 79137, MedGen C5574945, MONDO:0012276, OMIM 609446.

Allele frequency attached by ClinVar (database versions not stated): 1000 Genomes Project 0.37220; 1000 Genomes Project 30x 0.37508; TOPMed 0.53073; gnomAD 0.54466 and 0.55282; ExAC 0.55707; ESP Exome Variant Server 0.57812.
gnomAD v4.1: 719,089 of 1,192,076 alleles (60%); highest among the groups gnomAD compares: Middle Eastern, 68%; 231,020 homozygotes.

Submissions (3):

Labcorp Genetics (formerly Invitae), Labcorp
Classification: Benign for Generalized epilepsy-paroxysmal dyskinesia syndrome. Last evaluated: 2026-01-26. Review status: criteria provided, single submitter. Criteria: Invitae Variant Classification Sherloc (09022015). Collection method: clinical testing. Allele origin: germline.

GeneDx
Classification: Benign. Last evaluated: 2018-07-15. Review status: criteria provided, single submitter. Criteria: GeneDx Variant Classification Process June 2021. Collection method: clinical testing. Allele origin: germline. Affected: yes.
Comment: This variant is associated with the following publications: (PMID: 18854754)

Breakthrough Genomics
Classification: Benign. Review status: criteria provided, single submitter. Criteria: ACMG Guidelines, 2015. Collection method: not provided. Allele origin: germline. Inheritance: Autosomal recessive inheritance. Affected: yes.